The following is an entry in ClinVar:

ClinVar aggregate classification (germline): Uncertain significance. Review status: criteria provided, multiple submitters, no conflicts (2 of 4 stars). 4 submissions from 4 submitters: Uncertain significance (3). 1 of the submissions does not count toward it. Last evaluated 2022-03-01.

Conditions:
Glycogen storage disease, type V (GSD5). Also called: McArdle type glycogen storage disease; MCARDLE DISEASE; MUSCLE GLYCOGEN PHOSPHORYLASE DEFICIENCY; MYOPHOSPHORYLASE DEFICIENCY; PYGM DEFICIENCY. Identifiers: Orphanet 368, MedGen C0017924, MONDO:0009293, OMIM 232600.

Allele frequency attached by ClinVar (database versions not stated): gnomAD 0.00001; gnomAD exomes 0.00001; TOPMed 0.00002; 1000 Genomes Project 30x 0.00016; 1000 Genomes Project 0.00020.
gnomAD v4.1: 13 of 1,613,322 alleles (0.00081%); highest among the groups gnomAD compares: South Asian, 0.0055%; 1 homozygote.

Submissions (4):

CeGaT Center for Human Genetics Tuebingen
Classification: Uncertain significance. Last evaluated: 2022-03-01. Review status: criteria provided, single submitter. Criteria: CeGaT Center For Human Genetics Tuebingen Variant Classification Criteria Version 2. Collection method: clinical testing. Allele origin: germline. Affected: yes. Observed: 1 variant allele.
Comment: PYGM: PM2

Labcorp Genetics (formerly Invitae), Labcorp
Classification: Uncertain significance for Glycogen storage disease, type V. Last evaluated: 2021-12-28. Review status: criteria provided, single submitter. Criteria: Invitae Variant Classification Sherloc (09022015). Collection method: clinical testing. Allele origin: germline.
Comment: This sequence change replaces arginine, which is basic and polar, with histidine, which is basic and polar, at codon 507 of the PYGM protein (p.Arg507His). This variant is present in population databases (rs575153481, gnomAD 0.01%). This variant has not been reported in the literature in individuals affected with PYGM-related conditions. ClinVar contains an entry for this variant (Variation ID: 972013). Algorithms developed to predict the effect of missense changes on protein structure and function are either unavailable or do not agree on the potential impact of this missense change (SIFT: "Not Available"; PolyPhen-2: "Probably Damaging"; Align-GVGD: "Not Available"). In summary, the available evidence is currently insufficient to determine the role of this variant in disease. Therefore, it has been classified as a Variant of Uncertain Significance.

Revvity Omics, Revvity
Classification: Uncertain significance for Glycogen storage disease, type V. Last evaluated: 2019-09-04. Review status: criteria provided, single submitter. Criteria: ACMG Guidelines, 2015. Collection method: clinical testing. Allele origin: germline.

Natera, Inc.
Classification: Uncertain significance for Glycogen storage disease V. Last evaluated: 2020-06-24. Review status: no assertion criteria provided. Collection method: clinical testing. Allele origin: germline. Not counted in ClinVar's aggregate classification.

NM_005609.4(PYGM):c.1520G>A (p.Arg507His)

Gene: PYGM (glycogen phosphorylase, muscle associated; minus strand). Cytogenetic location: 11q13.1.
Variant type: single nucleotide variant.
Coding change: c.1520G>A on transcript NM_005609.4 (MANE Select); coding-DNA position 1520, G replaced by A.
Protein change: p.Arg507His; replaces arginine 507 with histidine.
Molecular consequence: missense variant.
Genome position (GRCh38, 1-based): chr11:64,752,503, C>T on the plus strand (G>A on the coding strand, the complement: PYGM is on the minus strand). VCF-style: chr11-64752503-C-T. GRCh37 (hg19) VCF-style: chr11-64519975-C-T.
Other names: c.1256G>A, p.Arg419His (NM_001164716.1); c.1520G>A (NM_005609.2); short protein forms R419H, R507H.
Identifiers: ClinVar variation 972013 (VCV000972013.42), dbSNP rs575153481, ClinGen allele CA6079821.